The following is an entry in ClinVar:

ClinVar aggregate classification (germline): Uncertain significance (1 of 4 stars; one submission).

Conditions:
Hereditary cancer-predisposing syndrome. Also called: Neoplastic Syndromes, Hereditary; Hereditary Cancer Syndrome; Tumor predisposition; Hereditary neoplastic syndrome. Identifiers: Orphanet 140162, MedGen C0027672, MeSH D009386, MONDO:0015356.

Submission:

Ambry Genetics
Classification: Uncertain significance for Hereditary cancer-predisposing syndrome. Last evaluated: 2025-11-26. Review status: criteria provided, single submitter. Criteria: Ambry Variant Classification Scheme 2023. Collection method: clinical testing. Allele origin: germline.
Comment: The p.A22D variant (also known as c.65C>A), located in coding exon 1 of the GREM1 gene, results from a C to A substitution at nucleotide position 65. The alanine at codon 22 is replaced by aspartic acid, an amino acid with dissimilar properties. This amino acid position is conserved. In addition, this alteration is predicted to be tolerated by in silico analysis. Since supporting evidence is limited at this time, the clinical significance of this alteration remains unclear.

NM_013372.7(GREM1):c.65C>A (p.Ala22Asp)

Gene: GREM1 (gremlin 1, DAN family BMP antagonist; plus strand). Cytogenetic location: 15q13.3.
Variant type: single nucleotide variant.
Coding change: c.65C>A on transcript NM_013372.7 (MANE Select); coding-DNA position 65, C replaced by A.
Protein change: p.Ala22Asp; replaces alanine 22 with aspartic acid.
Molecular consequence: missense variant. On other transcripts: intron variant (1).
Genome position (GRCh38, 1-based): chr15:32,730,755, C>A. VCF-style: chr15-32730755-C-A. GRCh37 (hg19) VCF-style: chr15-33022956-C-A.
Other names: c.65C>A, p.Ala22Asp (NM_001191323.2, NM_001368719.1); c.27+38C>A (NM_001191322.2); short protein forms A22D.
Identifiers: ClinVar variation 2447145 (VCV002447145.3), dbSNP rs2548707413, ClinGen allele CA391557106.